The following is an entry in ClinVar:

ClinVar aggregate classification (germline): Uncertain significance (0 of 4 stars; one submission).

Conditions:
KIDINS220-related disorder. Also called: KIDINS220-related condition.

Submission:

PreventionGenetics, part of Exact Sciences
Classification: Uncertain significance for KIDINS220-related condition. Last evaluated: 2024-04-16. Review status: no assertion criteria provided. Collection method: clinical testing. Allele origin: germline.
Comment: The KIDINS220 c.1098+10C>G variant is predicted to interfere with splicing. To our knowledge, this variant has not been reported in the literature or in a large population database, indicating this variant is rare. However, the use of computer prediction programs is not equivalent to functional evidence, and therefore the clinical significance of this variant is uncertain.

NM_020738.4(KIDINS220):c.1098+10C>G

Gene: KIDINS220 (kinase D interacting substrate 220; minus strand). Cytogenetic location: 2p25.1.
Variant type: single nucleotide variant.
Coding change: c.1098+10C>G on transcript NM_020738.4 (MANE Select); 10 bases into the intron after coding-DNA position 1098, C replaced by G.
Molecular consequence: intron variant.
Genome position (GRCh38, 1-based): chr2:8,796,761, G>C on the plus strand (C>G on the coding strand, the complement: KIDINS220 is on the minus strand). VCF-style: chr2-8796761-G-C. GRCh37 (hg19) VCF-style: chr2-8936891-G-C.
Other names: c.1098+10C>G (NM_001348741.2, NM_001348738.2, NM_001348742.2 and 3 more transcripts); c.1101+10C>G (NM_001348739.2, NM_001348740.2, NM_001348734.2 and 3 more transcripts); c.972+10C>G (NM_001348736.2).
Identifiers: ClinVar variation 3346615 (VCV003346615.1).